The following is an entry in ClinVar:

ClinVar aggregate classification (germline): Likely benign. Review status: criteria provided, single submitter (1 of 4 stars). 2 submissions from 2 submitters: Likely benign (1). 1 of the submissions does not count toward it. Last evaluated 2026-01-17.

Conditions:
ADSS1-related disorder. Also called: ADSS1-related condition.

Allele frequency attached by ClinVar (database versions not stated): ExAC below 0.00001; gnomAD 0.00001; TOPMed 0.00003; gnomAD exomes 0.00011.
gnomAD v4.1: 24 of 1,563,160 alleles (0.0015%); highest among the groups gnomAD compares: Admixed American, 0.045%; no homozygotes.

Submissions (2):

Labcorp Genetics (formerly Invitae), Labcorp
Classification: Likely benign. Last evaluated: 2026-01-17. Review status: criteria provided, single submitter. Criteria: Invitae Variant Classification Sherloc (09022015). Collection method: clinical testing. Allele origin: germline.

PreventionGenetics, part of Exact Sciences
Classification: Likely benign for ADSS1-related condition. Last evaluated: 2020-02-14. Review status: no assertion criteria provided. Collection method: clinical testing. Allele origin: germline. Not counted in ClinVar's aggregate classification.
Comment: This variant is classified as likely benign based on ACMG/AMP sequence variant interpretation guidelines (Richards et al. 2015 PMID: 25741868, with internal and published modifications).

NM_152328.5(ADSS1):c.193-4951C>T

Gene: ADSS1 (adenylosuccinate synthase 1; plus strand). Cytogenetic location: 14q32.33.
Variant type: single nucleotide variant.
Coding change: c.193-4951C>T on transcript NM_152328.5 (MANE Select); 4951 bases into the intron before coding-DNA position 193, C replaced by T.
Molecular consequence: intron variant. On other transcripts: 5 prime UTR variant (1), synonymous variant (1).
Genome position (GRCh38, 1-based): chr14:104,730,069, C>T. VCF-style: chr14-104730069-C-T. GRCh37 (hg19) VCF-style: chr14-105196406-C-T.
Other names: c.-551C>T (NM_001320424.1); c.177C>T, p.His59= (NM_199165.2).
Identifiers: ClinVar variation 725893 (VCV000725893.9), dbSNP rs752532660, ClinGen allele CA7373522.
Genomic context (GRCh38, chr14:104,730,069, plus strand): 5'-GCCTCCAAGGAGTCTCCAGTTACTGAGTGGCCACTCCGTGCCAGCTCAGCCCACCCCTCA[C>T]CTTCCCAGTGCCTGTGGAGGCCCAACTAGGGTGACGCTGGGAGAGGAGAGGGCTTGGAGG-3'